The following is an entry in ClinVar:

NM_001127511.3(APC):c.138T>C (p.Thr46=)

Gene: APC (APC regulator of Wnt signaling pathway; plus strand). Cytogenetic location: 5q22.2.
Variant type: single nucleotide variant.
Coding change: c.138T>C on transcript NM_001127511.3; coding-DNA position 138, T replaced by C.
Protein change: p.Thr46=; no amino-acid change (threonine 46 retained).
Molecular consequence: synonymous variant. On other transcripts: 5 prime UTR variant (8), non-coding transcript variant (1), intron variant (5).
Genome position (GRCh38, 1-based): chr5:112,707,855, T>C. VCF-style: chr5-112707855-T-C. GRCh37 (hg19) VCF-style: chr5-112043552-T-C.
Other names: c.-46T>C (NM_001354895.2, NM_001407447.1, NM_001407452.1 and 3 more transcripts); c.138T>C, p.Thr46= (NM_001354897.2, NM_001354902.2, NM_001407446.1); c.-1081T>C (NM_001407470.1, NM_001407472.1); c.-19+206T>C (NM_001407448.1, NM_001407450.1, NM_001407457.1 and 1 more transcripts); c.-43+206T>C (NM_001407453.1).
Identifiers: ClinVar variation 2020897 (VCV002020897.4), dbSNP rs2149631331, ClinGen allele CA2580072342.

ClinVar aggregate classification (germline): Uncertain significance (1 of 4 stars; one submission).

Conditions:
Familial adenomatous polyposis 1 (FAP1). Also called: FAMILIAL ADENOMATOUS POLYPOSIS 1, ATTENUATED; POLYPOSIS, ADENOMATOUS INTESTINAL. Identifiers: MedGen C2713442, MONDO:0021056, OMIM 175100. Disease mechanism: loss of function.

Submission:

Labcorp Genetics (formerly Invitae), Labcorp
Classification: Uncertain significance for Familial adenomatous polyposis 1. Last evaluated: 2023-03-04. Review status: criteria provided, single submitter. Criteria: Invitae Variant Classification Sherloc (09022015). Collection method: clinical testing. Allele origin: germline.
Comment: In summary, the available evidence is currently insufficient to determine the role of this variant in disease. Therefore, it has been classified as a Variant of Uncertain Significance. Experimental studies and prediction algorithms are not available or were not evaluated, and the functional significance of this variant is currently unknown. This variant has not been reported in the literature in individuals affected with APC-related conditions. This variant is not present in population databases (gnomAD no frequency). This variant occurs in a non-coding region of the APC gene. It does not change the encoded amino acid sequence of the APC protein.